The following is an entry in ClinVar:

ClinVar aggregate classification (germline): Benign. Review status: criteria provided, multiple submitters, no conflicts (2 of 4 stars). 2 submissions from 2 submitters: Benign (2). Last evaluated 2019-04-19.

Allele frequency attached by ClinVar (database versions not stated): gnomAD exomes 0.44395 and 0.48501; ExAC 0.49799; gnomAD 0.57236 and 0.58037; TOPMed 0.57624; ESP Exome Variant Server 0.58526; 1000 Genomes Project 0.59685; 1000 Genomes Project 30x 0.60166.

Submissions (2):

GeneDx
Classification: Benign. Last evaluated: 2019-04-19. Review status: criteria provided, single submitter. Criteria: GeneDx Variant Classification Process June 2021. Collection method: clinical testing. Allele origin: germline. Affected: yes.
Comment: This variant is associated with the following publications: (PMID: 30389748)

Breakthrough Genomics
Classification: Benign. Review status: criteria provided, single submitter. Criteria: ACMG Guidelines, 2015. Collection method: not provided. Allele origin: germline. Inheritance: Unknown mechanism. Affected: yes.

NC_000016.10:g.67199363A>C

Genes: E2F4 (E2F transcription factor 4; plus strand), ELMO3 (engulfment and cell motility 3; plus strand). Cytogenetic location: 16q22.1.
Variant type: single nucleotide variant.
Molecular consequence: missense variant (on NM_024712.5).
Genome position: GRCh38 VCF-style: chr16-67199363-A-C. GRCh37 (hg19) VCF-style: chr16-67233266-A-C.
Other names: c.37A>C, p.Lys13Gln (NM_024712.5); short protein forms K13Q.
Identifiers: ClinVar variation 1274803 (VCV001274803.2), dbSNP rs12923138, ClinGen allele CA8104059.
Genomic context (GRCh38, chr16:67,199,363, plus strand): 5'-AGGCGCCCACGTCCCAGCTGGACCATGGCGCCTCCGCGGAACGTGGTGAAGATTGCCATC[A>C]AGATGCGTGACGCCATCCCGCAGCTCATCCAGCTGGACCAGGTCACCCGGCTGGTCCCGC-3'